The following is an entry in ClinVar:

ClinVar aggregate classification (germline): Uncertain significance (1 of 4 stars; one submission).

Allele frequency attached by ClinVar (database versions not stated): gnomAD 0.00001.
gnomAD v4.1: 6 of 1,613,996 alleles (0.00037%); highest among the groups gnomAD compares: South Asian, 0.0044%; no homozygotes.

Submission:

Women's Health and Genetics/Laboratory Corporation of America, LabCorp
Classification: Uncertain significance. Last evaluated: 2023-12-19. Review status: criteria provided, single submitter. Criteria: LabCorp Variant Classification Summary - May 2015. Collection method: clinical testing. Allele origin: germline.
Comment: Variant summary: ABCC8 c.1912T>C (p.Tyr638His) results in a conservative amino acid change in the encoded protein sequence. Four of five in-silico tools predict a benign effect of the variant on protein function. The variant allele was found at a frequency of 8e-06 in 251084 control chromosomes. The available data on variant occurrences in the general population are insufficient to allow any conclusion about variant significance. To our knowledge, no occurrence of c.1912T>C in individuals affected with Familial Hyperinsulinism and no experimental evidence demonstrating its impact on protein function have been reported. No submitters have cited clinical-significance assessments for this variant to ClinVar after 2014. Based on the evidence outlined above, the variant was classified as uncertain significance.

NM_000352.6(ABCC8):c.1912T>C (p.Tyr638His)

Gene: ABCC8 (ATP binding cassette subfamily C member 8; minus strand). Cytogenetic location: 11p15.1.
Variant type: single nucleotide variant.
Coding change: c.1912T>C on transcript NM_000352.6 (MANE Select); coding-DNA position 1912, T replaced by C.
Protein change: p.Tyr638His; replaces tyrosine 638 with histidine.
Molecular consequence: missense variant. On other transcripts: non-coding transcript variant (1).
Genome position (GRCh38, 1-based): chr11:17,428,576, A>G on the plus strand (T>C on the coding strand, the complement: ABCC8 is on the minus strand). VCF-style: chr11-17428576-A-G. GRCh37 (hg19) VCF-style: chr11-17450123-A-G.
Other names: c.1912T>C, p.Tyr638His (NM_001287174.3, NM_001351295.2); c.1909T>C, p.Tyr637His (NM_001351296.2, NM_001351297.2); short protein forms Y637H, Y638H.
Identifiers: ClinVar variation 2691332 (VCV002691332.1), dbSNP rs750685008, ClinGen allele CA5903401.